The following is an entry in ClinVar:

NM_015040.4(PIKFYVE):c.*3100T>G

Gene: PIKFYVE (phosphoinositide kinase, FYVE-type zinc finger containing; plus strand). Cytogenetic location: 2q34.
Variant type: single nucleotide variant.
Coding change: c.*3100T>G on transcript NM_015040.4 (MANE Select); 3100 bases downstream of the stop codon, T replaced by G.
Molecular consequence: 3 prime UTR variant.
Genome position (GRCh38, 1-based): chr2:208,358,405, T>G. VCF-style: chr2-208358405-T-G. GRCh37 (hg19) VCF-style: chr2-209223129-T-G.
Identifiers: ClinVar variation 897585 (VCV000897585.4), dbSNP rs539067320, ClinGen allele CA64618561.
Genomic context (GRCh38, chr2:208,358,405, plus strand): 5'-TAATATACTGACTTATGCAGTATTCAAACCATCTAGTGCAATGTTTTTGTTTTTGTTTTT[T>G]TTTTGGTAACACAGGTGCAGTGTATTATAGAAAAAATAAAAACTACAATCATTAGCAGTT-3'

ClinVar aggregate classification (germline): Benign (1 of 4 stars; one submission).

Conditions:
Fleck corneal dystrophy (CFD). Also called: CORNEAL DYSTROPHY, FRANCOIS-NEETENS SPECKLED OR FLECKED. Identifiers: Orphanet 98970, MedGen C1562113, MONDO:0007376, OMIM 121850.

Allele frequency attached by ClinVar (database versions not stated): TOPMed 0.00002; gnomAD 0.00003 and 0.00006; 1000 Genomes Project 30x 0.00047; 1000 Genomes Project 0.00060.

Submission:

Illumina Laboratory Services, Illumina
Classification: Benign for Fleck corneal dystrophy. Last evaluated: 2018-01-13. Review status: criteria provided, single submitter. Criteria: ICSL Variant Classification Criteria 13 December 2019. Collection method: clinical testing. Allele origin: germline.
Comment: This variant was observed in the ICSL laboratory as part of a predisposition screen in an ostensibly healthy population. It had not been previously curated by ICSL or reported in the Human Gene Mutation Database (HGMD: prior to June 1st, 2018), and was therefore a candidate for classification through an automated scoring system. Utilizing variant allele frequency, disease prevalence and penetrance estimates, and inheritance mode, an automated score was calculated to assess if this variant is too frequent to cause the disease. Based on the score and internal cut-off values, a variant classified as benign is not then subjected to further curation. The score for this variant resulted in a classification of benign for this disease.